The following is an entry in ClinVar:

ClinVar aggregate classification (germline): Uncertain significance. Review status: criteria provided, multiple submitters, no conflicts (2 of 4 stars). 2 submissions from 2 submitters: Uncertain significance (2). Last evaluated 2025-02-27.

Conditions:
Inborn genetic diseases. Identifiers: MedGen C0950123, MeSH D030342.
Xeroderma pigmentosum, group F (XPF). Also called: XERODERMA PIGMENTOSUM VI; XP, GROUP F; XERODERMA PIGMENTOSUM, COMPLEMENTATION GROUP F; ERCC4-Related Xeroderma Pigmentosum; XERODERMA PIGMENTOSUM, TYPE F; Xeroderma pigmentosum, type 6. Identifiers: MedGen C0268140, MONDO:0010215, OMIM 278760.
Fanconi anemia complementation group Q. Identifiers: Orphanet 84, MedGen C3808988, MONDO:0014108, OMIM 615272.
Cockayne syndrome. Identifiers: Orphanet 191, MedGen C0009207, MONDO:0016006.

Allele frequency attached by ClinVar (database versions not stated): TOPMed below 0.00001; ExAC 0.00001; gnomAD 0.00001; gnomAD exomes 0.00001 and 0.00002.
gnomAD v4.1: 22 of 1,603,352 alleles (0.0014%); highest among the groups gnomAD compares: East Asian, 0.0045%; no homozygotes.

Submissions (2):

Ambry Genetics
Classification: Uncertain significance for Inborn genetic diseases. Last evaluated: 2025-02-27. Review status: criteria provided, single submitter. Criteria: Ambry Variant Classification Scheme 2023. Collection method: clinical testing. Allele origin: germline.

Labcorp Genetics (formerly Invitae), Labcorp
Classification: Uncertain significance for Fanconi anemia complementation group Q; Xeroderma pigmentosum, group F; Cockayne syndrome. Last evaluated: 2025-01-23. Review status: criteria provided, single submitter. Criteria: Invitae Variant Classification Sherloc (09022015). Collection method: clinical testing. Allele origin: germline.
Comment: This sequence change replaces tyrosine, which is neutral and polar, with cysteine, which is neutral and slightly polar, at codon 46 of the ERCC4 protein (p.Tyr46Cys). This variant is present in population databases (rs757860762, gnomAD 0.01%). This variant has not been reported in the literature in individuals affected with ERCC4-related conditions. ClinVar contains an entry for this variant (Variation ID: 1428675). Invitae Evidence Modeling of protein sequence and biophysical properties (such as structural, functional, and spatial information, amino acid conservation, physicochemical variation, residue mobility, and thermodynamic stability) indicates that this missense variant is not expected to disrupt ERCC4 protein function with a negative predictive value of 80%. In summary, the available evidence is currently insufficient to determine the role of this variant in disease. Therefore, it has been classified as a Variant of Uncertain Significance.

NM_005236.3(ERCC4):c.137A>G (p.Tyr46Cys)

Genes: ERCC4 (ERCC excision repair 4, endonuclease catalytic subunit; plus strand), LOC130058543 (ATAC-STARR-seq lymphoblastoid active region 10486; plus strand). Cytogenetic location: 16p13.12.
Variant type: single nucleotide variant.
Coding change: c.137A>G on transcript NM_005236.3 (MANE Select); coding-DNA position 137, A replaced by G.
Protein change: p.Tyr46Cys; replaces tyrosine 46 with cysteine.
Molecular consequence: missense variant.
Genome position (GRCh38, 1-based): chr16:13,920,302, A>G. VCF-style: chr16-13920302-A-G. GRCh37 (hg19) VCF-style: chr16-14014159-A-G.
Other names: c.137A>G (NM_005236.2); short protein forms Y46C.
Identifiers: ClinVar variation 1428675 (VCV001428675.7), dbSNP rs757860762, ClinGen allele CA7910097.